The following is an entry in ClinVar:

ClinVar aggregate classification (germline): Uncertain significance (1 of 4 stars; one submission).

Conditions:
Glycine encephalopathy. Also called: Non-ketotic hyperglycinemia; Nonketotic hyperglycinemia. Identifiers: Orphanet 407, MedGen C0751748, MONDO:0011612, HP:0008288.

Allele frequency attached by ClinVar (database versions not stated): gnomAD exomes below 0.00001.
gnomAD v4.1: 3 of 1,613,986 alleles (0.00019%); highest among the groups gnomAD compares: Non-Finnish European, 0.00025%; no homozygotes.

Submission:

Labcorp Genetics (formerly Invitae), Labcorp
Classification: Uncertain significance for Non-ketotic hyperglycinemia. Last evaluated: 2018-11-06. Review status: criteria provided, single submitter. Criteria: Invitae Variant Classification Sherloc (09022015). Collection method: clinical testing. Allele origin: germline.
Comment: This sequence change affects an acceptor splice site in the last intron (intron 8) of the AMT gene. While this is not anticipated to result in nonsense mediated decay, it likely alters RNA splicing and results in a disrupted protein product. This variant is not present in population databases (ExAC no frequency). This variant has not been reported in the literature in individuals with AMT-related disease. Nucleotide substitutions within the consensus splice site are a relatively common cause of aberrant splicing (PMID: 17576681, 9536098). Algorithms developed to predict the effect of sequence changes on RNA splicing suggest that this variant may disrupt the consensus splice site, but this prediction has not been confirmed by published transcriptional studies. In summary, the available evidence is currently insufficient to determine the role of this variant in disease. Therefore, it has been classified as a Variant of Uncertain Significance.

NM_000481.4(AMT):c.1034-1G>C

Gene: AMT (aminomethyltransferase; minus strand). Cytogenetic location: 3p21.31.
Variant type: single nucleotide variant.
Coding change: c.1034-1G>C on transcript NM_000481.4 (MANE Select); the canonical splice acceptor site of the intron before coding-DNA position 1034, G replaced by C.
Molecular consequence: splice acceptor variant.
Genome position (GRCh38, 1-based): chr3:49,417,719, C>G on the plus strand (G>C on the coding strand, the complement: AMT is on the minus strand). VCF-style: chr3-49417719-C-G. GRCh37 (hg19) VCF-style: chr3-49455152-C-G.
Other names: c.866-1G>C (NM_001164711.2); c.902-1G>C (NM_001164710.2); c.1034-1G>C (NM_001164712.2).
Identifiers: ClinVar variation 647035 (VCV000647035.1), dbSNP rs1575302765, ClinGen allele CA352789235.